The following is an entry in ClinVar:

NM_001042492.3(NF1):c.1079dup (p.Ser361fs)

Gene: NF1 (neurofibromin 1; plus strand). Cytogenetic location: 17q11.2.
Variant type: Duplication.
Coding change: c.1079dup on transcript NM_001042492.3 (MANE Select); coding-DNA position 1079, one base duplicated (C; older notation c.1079dupC).
Protein change: p.Ser361fs; shifts the reading frame from serine 361.
Molecular consequence: frameshift variant.
Genome position (GRCh38, 1-based): chr17:31,201,053, C duplicated; the last of 2 consecutive C bases (chr17:31,201,052-31,201,053); duplicating either gives the same sequence. VCF-style (leftmost placement, unchanged base first): chr17-31201051-T-TC. GRCh37 (hg19) VCF-style: chr17-29528069-T-TC.
Other names: c.1079dup, p.Ser361Lysfs (NM_000267.4); c.1079dup, p.Ser361fs (NM_001128147.3); short protein forms S361fs.
Identifiers: ClinVar variation 1701317 (VCV001701317.31), dbSNP rs2143878590, ClinGen allele CA2580092892.
Genomic context (GRCh38, chr17:31,201,051, plus strand): 5'-TGCATGGGTATTTAAAGGCTTTTGTTTTCTGTTGGGGTTTTTATAGAACCTGCTTTTTAA[T>TC]CCAAGTAAGCCATTCTCAAGAGGCAGTCAGCCTGCAGATGTGGATCTAATGATTGACTGC-3'

ClinVar aggregate classification (germline): Pathogenic (1 of 4 stars; one submission).

Submission:

CeGaT Center for Human Genetics Tuebingen
Classification: Pathogenic. Last evaluated: 2022-07-01. Review status: criteria provided, single submitter. Criteria: CeGaT Center For Human Genetics Tuebingen Variant Classification Criteria Version 2. Collection method: clinical testing. Allele origin: germline. Affected: yes. Observed: 1 variant allele.
Comment: NF1: PVS1, PM2